The following is an entry in ClinVar:

ClinVar aggregate classification (germline): Uncertain significance (1 of 4 stars; one submission).

Allele frequency attached by ClinVar (database versions not stated): gnomAD 0.00001.

Submission:

Ambry Genetics
Classification: Uncertain significance. Last evaluated: 2022-09-12. Review status: criteria provided, single submitter. Criteria: Ambry Variant Classification Scheme 2023. Collection method: clinical testing. Allele origin: germline.
Comment: The p.S1409L variant (also known as c.4226C>T), located in coding exon 18 of the NPAT gene, results from a C to T substitution at nucleotide position 4226. The serine at codon 1409 is replaced by leucine, an amino acid with dissimilar properties. This amino acid position is conserved. In addition, this alteration is predicted to be tolerated by in silico analysis. Since supporting evidence is limited at this time, the clinical significance of this alteration remains unclear.

NM_002519.3(NPAT):c.4226C>T (p.Ser1409Leu)

Gene: NPAT (nuclear protein, coactivator of histone transcription; minus strand). Cytogenetic location: 11q22.3.
Variant type: single nucleotide variant.
Coding change: c.4226C>T on transcript NM_002519.3 (MANE Select); coding-DNA position 4226, C replaced by T.
Protein change: p.Ser1409Leu; replaces serine 1409 with leucine.
Molecular consequence: missense variant.
Genome position (GRCh38, 1-based): chr11:108,159,000, G>A on the plus strand (C>T on the coding strand, the complement: NPAT is on the minus strand). VCF-style: chr11-108159000-G-A. GRCh37 (hg19) VCF-style: chr11-108029727-G-A.
Other names: c.4247C>T, p.Ser1416Leu (NM_001321307.1); short protein forms S1409L, S1416L.
Identifiers: ClinVar variation 1738861 (VCV001738861.2), dbSNP rs1457723095, ClinGen allele CA382509079.